The following is an entry in ClinVar:

NM_001733.7(C1R):c.450C>A (p.Ser150Arg)

Gene: C1R (complement C1r; minus strand). Cytogenetic location: 12p13.31.
Variant type: single nucleotide variant.
Coding change: c.450C>A on transcript NM_001733.7 (MANE Select); coding-DNA position 450, C replaced by A.
Protein change: p.Ser150Arg; replaces serine 150 with arginine.
Molecular consequence: missense variant.
Genome position (GRCh38, 1-based): chr12:7,089,708, G>T on the plus strand (C>A on the coding strand, the complement: C1R is on the minus strand). VCF-style: chr12-7089708-G-T. GRCh37 (hg19) VCF-style: chr12-7242304-G-T.
Other names: c.492C>A, p.Ser164Arg (NM_001354346.2); c.450C>A (NM_001733.4); short protein forms S150R, S164R.
Identifiers: ClinVar variation 2439617 (VCV002439617.4), dbSNP rs760553459, ClinGen allele CA6424231.
Genomic context (GRCh38, chr12:7,089,708, plus strand): 5'-TCCAACGTAGTTGTGACACAGGTGCTGGCACTGGGGCTGGGGATCCTCCTCCCCTGATTT[G>T]CTCCGGGAAGCACATTCATCAAGGTCTGGAAGGCATTCAGGAAGGAGGGTTAAGCTTCTG-3'
Protein context (NP_001724.4, residues 140-160): AVDLDECASR[Ser150Arg]KSGEEDPQPQ

ClinVar aggregate classification (germline): Uncertain significance. Review status: criteria provided, multiple submitters, no conflicts (2 of 4 stars). 2 submissions from 2 submitters: Uncertain significance (2). Last evaluated 2026-01-02.

Conditions:
Ehlers-Danlos syndrome, periodontal type 1. Identifiers: Orphanet 75392, MedGen C4551499, MONDO:0020684, OMIM 130080.
C1R-related disorder. Also called: C1R-related condition.

Allele frequency attached by ClinVar (database versions not stated): gnomAD 0.00007; TOPMed 0.00009.
gnomAD v4.1: 17 of 780,764 alleles (0.0022%); highest among the groups gnomAD compares: African/African-American, 0.027%; no homozygotes.

Submissions (2):

PreventionGenetics, part of Exact Sciences
Classification: Uncertain significance for C1R-related condition. Last evaluated: 2026-01-02. Review status: criteria provided, single submitter. Criteria: ACMG Guidelines, 2015. Collection method: clinical testing. Allele origin: germline.
Comment: The C1R c.450C>A variant is predicted to result in the amino acid substitution p.Ser150Arg. To our knowledge, this variant has not been reported in the literature. This variant is reported in 0.029% of alleles in individuals of African descent in gnomAD. At this time, the clinical significance of this variant is uncertain due to the absence of conclusive functional and genetic evidence.

Revvity Omics, Revvity
Classification: Uncertain significance for Ehlers-Danlos syndrome, periodontal type 1. Last evaluated: 2021-07-23. Review status: criteria provided, single submitter. Criteria: ACMG Guidelines, 2015. Collection method: clinical testing. Allele origin: germline.